The following is an entry in ClinVar:

NM_000238.4(KCNH2):c.1831T>C (p.Tyr611His)

Gene: KCNH2 (potassium voltage-gated channel subfamily H member 2; minus strand). Cytogenetic location: 7q36.1.
Variant type: single nucleotide variant.
Coding change: c.1831T>C on transcript NM_000238.4 (MANE Select); coding-DNA position 1831, T replaced by C.
Protein change: p.Tyr611His; replaces tyrosine 611 with histidine.
Molecular consequence: missense variant.
Genome position (GRCh38, 1-based): chr7:150,951,562, A>G on the plus strand (T>C on the coding strand, the complement: KCNH2 is on the minus strand). VCF-style: chr7-150951562-A-G. GRCh37 (hg19) VCF-style: chr7-150648650-A-G.
Other names: c.811T>C, p.Tyr271His (NM_001204798.2, NM_172057.3); c.1543T>C, p.Tyr515His (NM_001406753.1, NM_001406756.1); c.1654T>C, p.Tyr552His (NM_001406755.1); c.1531T>C, p.Tyr511His (NM_001406757.1); c.1831T>C, p.Tyr611His (NM_172056.3); c.1831T>C (LRG_288t1); short protein forms Y611H, Y271H, Y552H, Y511H, Y515H.
Identifiers: ClinVar variation 29778 (VCV000029778.3), dbSNP rs199472942, ClinGen allele CA005621.

ClinVar aggregate classification (germline): Pathogenic. Review status: no assertion criteria provided (0 of 4 stars). 2 submissions from 2 submitters: Pathogenic (1). 1 of the submissions does not count toward it. Last evaluated 2005-05-13.

Conditions:
Familial long QT syndrome (RWS). Also called: Romano-Ward syndrome; VENTRICULAR FIBRILLATION WITH PROLONGED QT INTERVAL; Congenital long QT syndrome. Identifiers: Orphanet 768, MedGen C1141890, MONDO:0019171.
Long QT syndrome 2 (LQT2). Identifiers: Orphanet 101016, Orphanet 768, MedGen C3150943, MONDO:0013367, OMIM 613688.

Submissions (2):

OMIM
Classification: Pathogenic for LONG QT SYNDROME 2. Last evaluated: 2005-05-13. Review status: no assertion criteria provided. Collection method: literature only. Allele origin: germline.

Cardiovascular Biomedical Research Unit, Royal Brompton & Harefield NHS Foundation Trust
No classification provided. Condition: Familial long QT syndrome. Review status: no classification provided. Collection method: literature only. Allele origin: germline. Not counted in ClinVar's aggregate classification.
Comment: This variant has been reported as associated with Long QT syndrome in the following publications (PMID:9024139;PMID:11668638;PMID:16432067;PMID:9694858). This is a literature report, and does not necessarily reflect the clinical interpretation of the Imperial College / Royal Brompton Cardiovascular Genetics laboratory.

Literature cited by the submitters: PubMed 9024139 (cited by OMIM and Cardiovascular Biomedical Research Unit, Royal Brompton & Harefield NHS Foundation Trust); PubMed 9694858 (cited by OMIM and Cardiovascular Biomedical Research Unit, Royal Brompton & Harefield NHS Foundation Trust); PubMed 15760896 (cited by OMIM); PubMed 11668638 (cited by Cardiovascular Biomedical Research Unit, Royal Brompton & Harefield NHS Foundation Trust); PubMed 16432067 (cited by Cardiovascular Biomedical Research Unit, Royal Brompton & Harefield NHS Foundation Trust); PubMed 22581653 (cited by Cardiovascular Biomedical Research Unit, Royal Brompton & Harefield NHS Foundation Trust).